The following is an entry in ClinVar:

ClinVar aggregate classification (germline): Uncertain significance (1 of 4 stars; one submission).

Submission:

Women's Health and Genetics/Laboratory Corporation of America, LabCorp
Classification: Uncertain significance. Last evaluated: 2022-06-06. Review status: criteria provided, single submitter. Criteria: LabCorp Variant Classification Summary - May 2015. Collection method: clinical testing. Allele origin: germline.
Comment: Variant summary: BRIP1 c.232G>C (p.Glu78Gln) results in a conservative amino acid change located in the Helicase superfamily 1/2, ATP-binding domain (IPR014001) of the encoded protein sequence. Five of five in-silico tools predict a benign effect of the variant on protein function. The variant was absent in 251344 control chromosomes. The available data on variant occurrences in the general population are insufficient to allow any conclusion about variant significance. To our knowledge, no occurrence of c.232G>C in individuals affected with Breast Cancer and no experimental evidence demonstrating its impact on protein function have been reported. No clinical diagnostic laboratories have submitted clinical-significance assessments for this variant to ClinVar after 2014. Based on the evidence outlined above, the variant was classified as uncertain significance.

NM_032043.3(BRIP1):c.232G>C (p.Glu78Gln)

Gene: BRIP1 (BRCA1 interacting helicase 1; minus strand). Cytogenetic location: 17q23.2.
Variant type: single nucleotide variant.
Coding change: c.232G>C on transcript NM_032043.3 (MANE Select); coding-DNA position 232, G replaced by C.
Protein change: p.Glu78Gln; replaces glutamic acid 78 with glutamine.
Molecular consequence: missense variant.
Genome position (GRCh38, 1-based): chr17:61,857,205, C>G on the plus strand (G>C on the coding strand, the complement: BRIP1 is on the minus strand). VCF-style: chr17-61857205-C-G. GRCh37 (hg19) VCF-style: chr17-59934566-C-G.
Other names: short protein forms E78Q.
Identifiers: ClinVar variation 1698492 (VCV001698492.1), dbSNP rs2145830931, ClinGen allele CA400485575.